The following is an entry in ClinVar:

NM_030662.4(MAP2K2):c.847G>T (p.Val283Leu)

Gene: MAP2K2 (mitogen-activated protein kinase kinase 2; minus strand). Cytogenetic location: 19p13.3.
Variant type: single nucleotide variant.
Coding change: c.847G>T on transcript NM_030662.4 (MANE Select); coding-DNA position 847, G replaced by T.
Protein change: p.Val283Leu; replaces valine 283 with leucine.
Molecular consequence: missense variant.
Genome position (GRCh38, 1-based): chr19:4,099,273, C>A on the plus strand (G>T on the coding strand, the complement: MAP2K2 is on the minus strand). VCF-style: chr19-4099273-C-A. GRCh37 (hg19) VCF-style: chr19-4099271-C-A.
Other names: NM_030662.3(MAP2K2):c.847G>T; short protein forms V283L.
Identifiers: ClinVar variation 448950 (VCV000448950.12), dbSNP rs185999703, ClinGen allele CA9090817.

ClinVar aggregate classification (germline): Likely benign. Review status: reviewed by expert panel (3 of 4 stars). 3 submissions from 3 submitters: Likely benign (1). 2 of the submissions do not count toward it. Last evaluated 2017-05-09.

Conditions:
Cardiofaciocutaneous syndrome 4 (CFC4). Also called: MAP2K2-Related Cardiofaciocutaneous Syndrome. Identifiers: Orphanet 1340, MedGen C3809007, MONDO:0014114, OMIM 615280.
RASopathy. Also called: rasopathies; Noonan spectrum disorder. Identifiers: Orphanet 536391, MedGen C5555857, MONDO:0021060.

Allele frequency attached by ClinVar (database versions not stated): TOPMed 0.00005; 1000 Genomes Project 30x 0.00016; 1000 Genomes Project 0.00020.
gnomAD v4.1: 7 of 1,605,934 alleles (0.00044%); highest among the groups gnomAD compares: East Asian, 0.013%; no homozygotes.

Submissions (3):

ClinGen RASopathy Variant Curation Expert Panel
Classification: Likely benign for Noonan syndrome and Noonan-related syndrome. Last evaluated: 2017-05-09. Review status: reviewed by expert panel. Criteria: ClinGen RASopathy ACMG Specifications v1. Collection method: curation. Allele origin: germline. Inheritance: Autosomal dominant inheritance.
Comment: The filtering allele frequency of the c.847G>T (p.Val283Leu) variant in the MAP2K2 gene is 0.0448% (6/5824) of East Asian chromosomes by the Exome Aggregation Consortium, which is a high enough frequency to be classified as likely benign based on thresholds defined by the ClinGen RASopathy Expert Panel (BS1; PMID:29493581)

Labcorp Genetics (formerly Invitae), Labcorp
Classification: Likely benign for RASopathy. Last evaluated: 2024-11-15. Review status: criteria provided, single submitter. Criteria: Invitae Variant Classification Sherloc (09022015). Collection method: clinical testing. Allele origin: germline. Not counted in ClinVar's aggregate classification.

Fulgent Genetics
Classification: Uncertain significance for Cardiofaciocutaneous syndrome 4. Last evaluated: 2024-03-06. Review status: criteria provided, single submitter. Criteria: ACMG Guidelines, 2015. Collection method: clinical testing. Allele origin: germline. Not counted in ClinVar's aggregate classification.